The following is an entry in ClinVar:

NM_015047.3(EMC1):c.786+6_786+7del

Genes: EMC1 (ER membrane protein complex subunit 1; minus strand), EMC1-AS1 (EMC1 antisense RNA 1; plus strand). Cytogenetic location: 1p36.13.
Variant type: Microsatellite.
Coding change: c.786+6_786+7del on transcript NM_015047.3 (MANE Select); bases 6 to 7 of the intron after coding-DNA position 786, 2 bases deleted (AG; older notation c.786+6_786+7delAG).
Molecular consequence: intron variant. On other transcripts: non-coding transcript variant (1).
Genome position (GRCh38, 1-based): chr1:19,240,290-19,240,291, CT deleted on the plus strand (AG on the coding strand, the reverse complement: EMC1 is on the minus strand); deleting any 2 consecutive bases within chr1:19,240,290-19,240,294 gives the same sequence; the c. name uses the placement nearest the transcript's 3' end. VCF-style (leftmost placement, unchanged base first): chr1-19240289-CCT-C. GRCh37 (hg19) VCF-style: chr1-19566783-CCT-C.
Other names: c.720+6_720+7del (NM_001271429.2); c.786+6_786+7del (NM_001271427.2, NM_001375821.1, NM_001271428.2 and 1 more transcripts).
Identifiers: ClinVar variation 3010224 (VCV003010224.3), dbSNP rs2093597114, ClinGen allele CA1157053892.
Genomic context (GRCh38, chr1:19,240,289, plus strand): 5'-ATCATGCCAAACTTTCTACTCCCCGCAGGAAATGCCTCAGGCCAGAAGAAGCAGTGGCAG[CCT>C]CTCACCTGCAGTGGGATCTGTCTCAACTCCCATTCCGTCTCCAGAGCCAAAGTTTGGAGG-3'

ClinVar aggregate classification (germline): Uncertain significance (1 of 4 stars; one submission).

Submission:

Labcorp Genetics (formerly Invitae), Labcorp
Classification: Uncertain significance. Last evaluated: 2025-12-22. Review status: criteria provided, single submitter. Criteria: Invitae Variant Classification Sherloc (09022015). Collection method: clinical testing. Allele origin: germline.
Comment: This sequence change falls in intron 7 of the EMC1 gene. It does not directly change the encoded amino acid sequence of the EMC1 protein. It affects a nucleotide within the consensus splice site. This variant is not present in population databases (gnomAD no frequency). This variant has not been reported in the literature in individuals affected with EMC1-related conditions. Variants that disrupt the consensus splice site are a relatively common cause of aberrant splicing (PMID: 17576681, 9536098). Algorithms developed to predict the effect of sequence changes on RNA splicing suggest that this variant is not likely to affect RNA splicing. In summary, the available evidence is currently insufficient to determine the role of this variant in disease. Therefore, it has been classified as a Variant of Uncertain Significance.

Literature cited by the submitters: PubMed 17576681; PubMed 9536098.